The following is an entry in ClinVar:

ClinVar aggregate classification (germline): Uncertain significance (1 of 4 stars; one submission).

Conditions:
Charcot-Marie-Tooth disease type 2D (CMT2D). Also called: Charcot-Marie-Tooth Neuropathy Type 2D; CHARCOT-MARIE-TOOTH DISEASE, AXONAL, TYPE 2D; GARS1 Adolescent- or Early Adult-Onset Hereditary Motor/Sensory Neuropathy (GARS1-HMSN); CHARCOT-MARIE-TOOTH DISEASE, NEURONAL, TYPE 2D. Identifiers: Orphanet 99938, MedGen C1832274, MONDO:0011091, OMIM 601472.

Submission:

OLLIN Analises Genomicas, OLLIN
Classification: Uncertain significance for Charcot-Marie-Tooth disease type 2D. Last evaluated: 2026-08-06. Review status: criteria provided, single submitter. Criteria: ACMG Guidelines 2015 PMID 25741868. Collection method: clinical testing. Allele origin: germline. Inheritance: Autosomal dominant inheritance.
Comment: This missense variant, located in exon 4 (of 17), is absent from gnomAD and ClinVar and has not been identified in the literature. In silico analysis predicts that this variant has a deleterious effect. According to the currently available evidence, this variant has been classified as uncertain significance (PM2_P, PP3_M).

NM_002047.4(GARS1):c.506T>C (p.Phe169Ser)

Gene: GARS1 (glycyl-tRNA synthetase 1; plus strand). Cytogenetic location: 7p14.3.
Variant type: single nucleotide variant.
Coding change: c.506T>C on transcript NM_002047.4 (MANE Select); coding-DNA position 506, T replaced by C.
Protein change: p.Phe169Ser; replaces phenylalanine 169 with serine.
Molecular consequence: missense variant.
Genome position (GRCh38, 1-based): chr7:30,601,137, T>C. VCF-style: chr7-30601137-T-C. GRCh37 (hg19) VCF-style: chr7-30640753-T-C.
Other names: c.344T>C, p.Phe115Ser (NM_001316772.1); short protein forms F115S, F169S.
Identifiers: ClinVar variation 5002673 (VCV005002673.1).